The following is an entry in ClinVar:

NM_006218.4(PIK3CA):c.2149G>T (p.Asp717Tyr)

Gene: PIK3CA (phosphatidylinositol-4,5-bisphosphate 3-kinase catalytic subunit alpha; plus strand). Cytogenetic location: 3q26.32.
Variant type: single nucleotide variant.
Coding change: c.2149G>T on transcript NM_006218.4 (MANE Select); coding-DNA position 2149, G replaced by T.
Protein change: p.Asp717Tyr; replaces aspartic acid 717 with tyrosine.
Molecular consequence: missense variant.
Genome position (GRCh38, 1-based): chr3:179,221,119, G>T. VCF-style: chr3-179221119-G-T. GRCh37 (hg19) VCF-style: chr3-178938907-G-T.
Other names: short protein forms D717Y.
Identifiers: ClinVar variation 3343578 (VCV003343578.1).

ClinVar aggregate classification (germline): Uncertain significance (1 of 4 stars; one submission).

Submission:

GeneDx
Classification: Uncertain significance. Last evaluated: 2023-05-18. Review status: criteria provided, single submitter. Criteria: GeneDx Variant Classification Process June 2021. Collection method: clinical testing. Allele origin: germline. Affected: yes.
Comment: Not observed at significant frequency in large population cohorts (gnomAD); In silico analysis supports that this missense variant has a deleterious effect on protein structure/function; Has not been previously published as pathogenic or benign to our knowledge